The following is an entry in ClinVar:

NM_032043.3(BRIP1):c.1303C>T (p.His435Tyr)

Gene: BRIP1 (BRCA1 interacting DNA helicase 1; minus strand). Cytogenetic location: 17q23.2.
Variant type: single nucleotide variant.
Coding change: c.1303C>T on transcript NM_032043.3 (MANE Select); coding-DNA position 1303, C replaced by T.
Protein change: p.His435Tyr; replaces histidine 435 with tyrosine.
Molecular consequence: missense variant.
Genome position (GRCh38, 1-based): chr17:61,799,137, G>A on the plus strand (C>T on the coding strand, the complement: BRIP1 is on the minus strand). VCF-style: chr17-61799137-G-A. GRCh37 (hg19) VCF-style: chr17-59876498-G-A.
Other names: short protein forms H435Y.
Identifiers: ClinVar variation 407833 (VCV000407833.19), dbSNP rs1060501758, ClinGen allele CA16615851.

ClinVar aggregate classification (germline): Uncertain significance. Review status: criteria provided, multiple submitters, no conflicts (2 of 4 stars). 7 submissions from 7 submitters: Uncertain significance (6). 1 of the submissions does not count toward it. Last evaluated 2026-07-17.

Conditions:
BRIP1-related disorder. Also called: BRIP1-related condition; BRIP1-related disorders. Identifiers: MedGen CN239206.
Ovarian cancer. Also called: OVARIAN CANCER, SOMATIC. Identifiers: Orphanet 213500, MedGen C1140680, MONDO:0008170, OMIM 167000.
Fanconi anemia complementation group J. Also called: BRIP1-Related Fanconi Anemia. Identifiers: Orphanet 84, MedGen C1836860, MONDO:0012187, OMIM 609054.
Familial cancer of breast. Also called: hereditary breast carcinoma; BREAST CANCER, FAMILIAL; Hereditary breast cancer. Identifiers: Orphanet 227535, MedGen C0346153, MONDO:0016419, OMIM 114480. Disease mechanism: loss of function.
Hereditary cancer-predisposing syndrome. Also called: Neoplastic Syndromes, Hereditary; Tumor predisposition; Hereditary Cancer Syndrome; Hereditary neoplastic syndrome. Identifiers: Orphanet 140162, MedGen C0027672, MeSH D009386, MONDO:0015356.

Allele frequency attached by ClinVar (database versions not stated): gnomAD exomes below 0.00001; TOPMed below 0.00001.
gnomAD v4.1: 4 of 1,613,546 alleles (0.00025%); highest among the groups gnomAD compares: South Asian, 0.0011%; no homozygotes.

Submissions (7):

PreventionGenetics, part of Exact Sciences
Classification: Uncertain significance for BRIP1-related condition. Last evaluated: 2026-07-17. Review status: criteria provided, single submitter. Criteria: ACMG Guidelines, 2015. Collection method: clinical testing. Allele origin: germline.
Comment: The BRIP1 c.1303C>T variant is predicted to result in the amino acid substitution p.His435Tyr. To our knowledge, this variant has not been reported in the literature or in a large population database, indicating this variant is rare. At this time, the clinical significance of this variant is uncertain due to the absence of conclusive functional and genetic evidence.

Labcorp Genetics (formerly Invitae), Labcorp
Classification: Uncertain significance for Familial cancer of breast; Fanconi anemia complementation group J. Last evaluated: 2025-08-29. Review status: criteria provided, single submitter. Criteria: Invitae Variant Classification Sherloc (09022015). Collection method: clinical testing. Allele origin: germline.
Comment: This sequence change replaces histidine, which is basic and polar, with tyrosine, which is neutral and polar, at codon 435 of the BRIP1 protein (p.His435Tyr). This variant is not present in population databases (gnomAD no frequency). This variant has not been reported in the literature in individuals affected with BRIP1-related conditions. ClinVar contains an entry for this variant (Variation ID: 407833). Invitae Evidence Modeling of protein sequence and biophysical properties (such as structural, functional, and spatial information, amino acid conservation, physicochemical variation, residue mobility, and thermodynamic stability) indicates that this missense variant is not expected to disrupt BRIP1 protein function with a negative predictive value of 95%. In summary, the available evidence is currently insufficient to determine the role of this variant in disease. Therefore, it has been classified as a Variant of Uncertain Significance.

Ambry Genetics
Classification: Uncertain significance for Hereditary cancer-predisposing syndrome. Last evaluated: 2024-04-11. Review status: criteria provided, single submitter. Criteria: Ambry Variant Classification Scheme 2023. Collection method: clinical testing. Allele origin: germline.
Comment: The p.H435Y variant (also known as c.1303C>T), located in coding exon 8 of the BRIP1 gene, results from a C to T substitution at nucleotide position 1303. The histidine at codon 435 is replaced by tyrosine, an amino acid with similar properties. This amino acid position is highly conserved in available vertebrate species. In addition, the in silico prediction for this alteration is inconclusive. Since supporting evidence is limited at this time, the clinical significance of this alteration remains unclear.

Color Diagnostics, LLC DBA Color Health
Classification: Uncertain significance for Hereditary cancer-predisposing syndrome. Last evaluated: 2024-03-06. Review status: criteria provided, single submitter. Criteria: ACMG Guidelines, 2015. Collection method: clinical testing. Allele origin: germline.
Comment: This missense variant replaces histidine with tyrosine at codon 435 of the BRIP1 protein. Computational prediction suggests that this variant may not impact protein structure and function (internally defined REVEL score threshold <= 0.5, PMID: 27666373). To our knowledge, functional studies have not been reported for this variant. This variant has not been reported in individuals affected with hereditary cancer in the literature. This variant has not been identified in the general population by the Genome Aggregation Database (gnomAD). The available evidence is insufficient to determine the role of this variant in disease conclusively. Therefore, this variant is classified as a Variant of Uncertain Significance.

Baylor Genetics
Classification: Uncertain significance for Familial cancer of breast. Last evaluated: 2024-02-16. Review status: criteria provided, single submitter. Criteria: ACMG Guidelines, 2015. Collection method: clinical testing. Allele origin: unknown.

Myriad Genetics, Inc.
Classification: Uncertain significance for Familial cancer of breast. Last evaluated: 2023-02-27. Review status: criteria provided, single submitter. Criteria: Myriad Autosomal Dominant, Autosomal Recessive and X-Linked Classification Criteria (2023). Collection method: clinical testing. Allele origin: unknown.
Comment: This variant is classified as a variant of uncertain significance as there is insufficient evidence to determine its impact on protein function and/or cancer risk.

Counsyl
Classification: Uncertain significance for Fanconi anemia complementation group J; Ovarian cancer. Last evaluated: 2018-04-06. Review status: no assertion criteria provided. Collection method: clinical testing. Allele origin: unknown. Not counted in ClinVar's aggregate classification.